The following is an entry in ClinVar:

ClinVar aggregate classification (germline): Uncertain significance (1 of 4 stars; one submission).

Submission:

Labcorp Genetics (formerly Invitae), Labcorp
Classification: Uncertain significance. Last evaluated: 2025-06-12. Review status: criteria provided, single submitter. Criteria: Invitae Variant Classification Sherloc (09022015). Collection method: clinical testing. Allele origin: germline.
Comment: This sequence change replaces proline, which is neutral and non-polar, with serine, which is neutral and polar, at codon 336 of the CD2AP protein (p.Pro336Ser). This variant is not present in population databases (gnomAD no frequency). This variant has not been reported in the literature in individuals affected with CD2AP-related conditions. ClinVar contains an entry for this variant (Variation ID: 3670287). An algorithm developed to predict the effect of missense changes on protein structure and function (PolyPhen-2) suggests that this variant is likely to be disruptive. In summary, the available evidence is currently insufficient to determine the role of this variant in disease. Therefore, it has been classified as a Variant of Uncertain Significance.

NM_012120.3(CD2AP):c.1006C>T (p.Pro336Ser)

Gene: CD2AP (CD2 associated protein; plus strand). Cytogenetic location: 6p12.3.
Variant type: single nucleotide variant.
Coding change: c.1006C>T on transcript NM_012120.3 (MANE Select); coding-DNA position 1006, C replaced by T.
Protein change: p.Pro336Ser; replaces proline 336 with serine.
Molecular consequence: missense variant.
Genome position (GRCh38, 1-based): chr6:47,579,487, C>T. VCF-style: chr6-47579487-C-T. GRCh37 (hg19) VCF-style: chr6-47547223-C-T.
Other names: short protein forms P336S.
Identifiers: ClinVar variation 3670287 (VCV003670287.2).